The following is an entry in ClinVar:

ClinVar aggregate classification (germline): Uncertain significance (1 of 4 stars; one submission).

Conditions:
Cardiovascular phenotype. Identifiers: MedGen CN230736.

Submission:

Ambry Genetics
Classification: Uncertain significance for Cardiovascular phenotype. Last evaluated: 2024-10-27. Review status: criteria provided, single submitter. Criteria: Ambry Variant Classification Scheme 2023. Collection method: clinical testing. Allele origin: germline.
Comment: The p.S2R variant (also known as c.6C>G), located in coding exon 1 of the SPRED1 gene, results from a C to G substitution at nucleotide position 6. The serine at codon 2 is replaced by arginine, an amino acid with dissimilar properties. This amino acid position is conserved. In addition, the in silico prediction for this alteration is inconclusive. Based on the available evidence, the clinical significance of this variant remains unclear.

NM_152594.3(SPRED1):c.6C>G (p.Ser2Arg)

Gene: SPRED1 (sprouty related EVH1 domain containing 1; plus strand). Cytogenetic location: 15q14.
Variant type: single nucleotide variant.
Coding change: c.6C>G on transcript NM_152594.3 (MANE Select); coding-DNA position 6, C replaced by G.
Protein change: p.Ser2Arg; replaces serine 2 with arginine.
Molecular consequence: missense variant.
Genome position (GRCh38, 1-based): chr15:38,253,191, C>G. VCF-style: chr15-38253191-C-G. GRCh37 (hg19) VCF-style: chr15-38545392-C-G.
Other names: short protein forms S2R.
Identifiers: ClinVar variation 3448771 (VCV003448771.1).